The following continues an entry in ClinVar:

NM_000059.4(BRCA2):c.5158dup (p.Ser1720fs)

Gene: BRCA2. ClinVar aggregate classification (germline): Pathogenic. Pathogenic (1).

Submissions 11 to 19 of 19:

ARUP Laboratories, Molecular Genetics and Genomics, ARUP Laboratories
Classification: Pathogenic. Last evaluated: 2022-12-21. Review status: criteria provided, single submitter. Criteria: ARUP Molecular Germline Variant Investigation Process 2024. Collection method: clinical testing. Allele origin: germline. Not counted in ClinVar's aggregate classification.
Comment: The BRCA2 c.5158dupT; p.Ser1720PhefsTer7 variant (rs80359489), also known as 5386dup in traditional nomenclature, is reported in the literature in several individuals and families affected with breast and/or ovarian cancer (Coppa 2014, Finch 2016, Rebbeck 2018, Santonocito 2020, Tung 2015). This variant is also reported in ClinVar (Variation ID: 51781) and is classified as pathogenic by the evidence-based network for the interpretation of germline mutant alleles (ENIGMA) expert panel (see link to ENIGMA consortium classification criteria). This variant is absent from the Genome Aggregation Database, indicating it is not a common polymorphism. This variant causes a frameshift by inserting a single nucleotide, so it is predicted to result in a truncated protein or mRNA subject to nonsense-mediated decay. Based on available information, this variant is considered to be pathogenic. References: Link to ENIGMA classification criteria: Coppa A et al. Novel and recurrent BRCA2 mutations in Italian breast/ovarian cancer families widen the ovarian cancer cluster region boundaries to exons 13 and 14. Breast Cancer Res Treat. 2014 Dec;148(3):629-35. PMID: 25395318. Finch A et al. Genetic testing for BRCA1 and BRCA2 in the Province of Ontario. Clin Genet. 2016 Mar;89(3):304-11. PMID: 26219728. Rebbeck TR et al. Mutational spectrum in a worldwide study of 29,700 families with BRCA1 or BRCA2 mutations. Hum Mutat. 2018 May;39(5):593-620. PMID: 29446198. Santonocito C et al. Spectrum of Germline BRCA1 and BRCA2 Variants Identified in 2351 Ovarian and Breast Cancer Patients Referring to a Reference Cancer Hospital of Rome. Cancers (Basel). 2020 May 19;12(5):1286. PMID: 32438681. Tung N et al. Frequency of mutations in individuals with breast cancer referred for BRCA1 and BRCA2 testing using next-generation sequencing with a 25-gene panel. Cancer. 2015 Jan 1;121(1):25-33. PMID: 25186627.

Women's Health and Genetics/Laboratory Corporation of America, LabCorp
Classification: Pathogenic for Hereditary breast ovarian cancer syndrome. Last evaluated: 2021-01-02. Review status: criteria provided, single submitter. Criteria: LabCorp Variant Classification Summary - May 2015. Collection method: clinical testing. Allele origin: germline. Not counted in ClinVar's aggregate classification.
Comment: Variant summary: BRCA2 c.5158dupT (p.Ser1720PhefsX7) results in a premature termination codon, predicted to cause a truncation of the encoded protein or absence of the protein due to nonsense mediated decay, which are commonly known mechanisms for disease. Truncations downstream of this position have been classified as pathogenic by our laboratory. The variant was absent in 228554 control chromosomes. c.5158dupT has been reported in the literature in multiple individuals affected with Hereditary Breast And Ovarian Cancer Syndrome (example, Rebbeck_2018). These data indicate that the variant is very likely to be associated with disease. To our knowledge, no experimental evidence demonstrating an impact on protein function has been reported. Multiple clinical diagnostic laboratories and one expert panel (ENIGMA) have submitted clinical-significance assessments for this variant to ClinVar after 2014 without evidence for independent evaluation. All submitters classified the variant as pathogenic. Based on the evidence outlined above, the variant was classified as pathogenic.

Quest Diagnostics Nichols Institute San Juan Capistrano
Classification: Pathogenic. Last evaluated: 2020-12-30. Review status: criteria provided, single submitter. Criteria: Quest Diagnostics criteria. Collection method: clinical testing. Allele origin: unknown. Not counted in ClinVar's aggregate classification.
Comment: This frameshift variant causes the premature termination of BRCA2 protein synthesis. In addition, it has been reported in individuals with breast and/or ovarian cancer in the published literature (PMID: 25186627 (2015), 25395318 (2014), 21324516 (2011), 19714488 (2009)). This variant has not been reported in large, multi-ethnic general populations. Therefore, the variant is classified as pathogenic.

Mendelics
Classification: Pathogenic for Hereditary breast and ovarian cancer syndrome. Last evaluated: 2018-07-02. Review status: criteria provided, single submitter. Criteria: Mendelics Assertion Criteria 2017. Collection method: clinical testing. Allele origin: unknown. Not counted in ClinVar's aggregate classification.

Consortium of Investigators of Modifiers of BRCA1/2 (CIMBA), c/o University of Cambridge
Classification: Pathogenic for Breast-ovarian cancer, familial, susceptibility to, 2. Last evaluated: 2015-10-02. Review status: criteria provided, single submitter. Criteria: CIMBA Mutation Classification guidelines May 2016. Collection method: clinical testing. Allele origin: germline. Not counted in ClinVar's aggregate classification.

Department of Pathology and Laboratory Medicine, Sinai Health System
Classification: Pathogenic for Hereditary breast ovarian cancer syndrome. Review status: criteria provided, single submitter. Criteria: ACMG Guidelines, 2015. Collection method: clinical testing. Allele origin: germline. Affected: yes. Study: The Canadian Open Genetics Repository (COGR). Not counted in ClinVar's aggregate classification.

Research Molecular Genetics Laboratory, Women's College Hospital, University of Toronto
Classification: Pathogenic for Hereditary breast ovarian cancer syndrome. Last evaluated: 2014-01-31. Review status: no assertion criteria provided. Collection method: research. Allele origin: germline. Affected: yes. Study: The Canadian Open Genetics Repository (COGR). Not counted in ClinVar's aggregate classification.

Sharing Clinical Reports Project (SCRP)
Classification: Pathogenic for Breast-ovarian cancer, familial 2. Last evaluated: 2012-07-12. Review status: no assertion criteria provided. Collection method: clinical testing. Allele origin: germline. Not counted in ClinVar's aggregate classification.

Breast Cancer Information Core (BIC) (BRCA2)
Classification: Pathogenic for Breast-ovarian cancer, familial 2. Last evaluated: 2004-02-20. Review status: no assertion criteria provided. Collection method: clinical testing. Allele origin: germline. Affected: yes. Observed: 3 variant alleles. Not counted in ClinVar's aggregate classification.

Literature cited by the submitters: PubMed 20104584 (cited by Labcorp Genetics (formerly Invitae), Labcorp); PubMed 21324516 (cited by 7 submitters); PubMed 25395318 (cited by 6 submitters); PubMed 26219728 (cited by 6 submitters); PubMed 20301425 (cited by Variantyx, Inc.); PubMed 19714488 (cited by 4 submitters); PubMed 25186627 (cited by 5 submitters); PubMed 31853058 (cited by Color Diagnostics, LLC DBA Color Health); PubMed 32438681 (cited by Color Diagnostics, LLC DBA Color Health and Institute for Genomic Medicine (IGM) Clinical Laboratory, Nationwide Children's Hospital); PubMed 29446198 (cited by Women's Health and Genetics/Laboratory Corporation of America, LabCorp).